The following is an entry in ClinVar:

ClinVar aggregate classification (germline): Uncertain significance (1 of 4 stars; one submission).

Submission:

GeneDx
Classification: Uncertain significance. Last evaluated: 2023-11-21. Review status: criteria provided, single submitter. Criteria: GeneDx Variant Classification Process June 2021. Collection method: clinical testing. Allele origin: germline. Affected: yes.
Comment: Not observed at significant frequency in large population cohorts (gnomAD); In silico analysis supports that this variant does not alter splicing; Has not been previously published as pathogenic or benign to our knowledge

NM_001080.3(ALDH5A1):c.354+5G>A

Genes: ALDH5A1 (aldehyde dehydrogenase 5 family member A1; plus strand), LOC129995978 (ATAC-STARR-seq lymphoblastoid silent region 16989; plus strand). Cytogenetic location: 6p22.3.
Variant type: single nucleotide variant.
Coding change: c.354+5G>A on transcript NM_001080.3 (MANE Select); 5 bases into the intron after coding-DNA position 354, G replaced by A.
Molecular consequence: intron variant.
Genome position (GRCh38, 1-based): chr6:24,495,355, G>A. VCF-style: chr6-24495355-G-A. GRCh37 (hg19) VCF-style: chr6-24495583-G-A.
Other names: c.354+5G>A (NM_170740.1, NM_001368954.1).
Identifiers: ClinVar variation 3364280 (VCV003364280.1).